The following is an entry in ClinVar:

ClinVar aggregate classification (germline): Uncertain significance (0 of 4 stars; one submission).

Conditions:
PLXNA2-related disorder. Also called: PLXNA2-related condition.

Submission:

PreventionGenetics, part of Exact Sciences
Classification: Uncertain significance for PLXNA2-related condition. Last evaluated: 2024-08-07. Review status: no assertion criteria provided. Collection method: clinical testing. Allele origin: germline.
Comment: The PLXNA2 c.1826G>C variant is predicted to result in the amino acid substitution p.Ser609Thr. To our knowledge, this variant has not been reported in the literature or in a large population database, indicating this variant is rare. At this time, the clinical significance of this variant is uncertain due to the absence of conclusive functional and genetic evidence.

NM_025179.4(PLXNA2):c.1826G>C (p.Ser609Thr)

Gene: PLXNA2 (plexin A2; minus strand). Cytogenetic location: 1q32.2.
Variant type: single nucleotide variant.
Coding change: c.1826G>C on transcript NM_025179.4 (MANE Select); coding-DNA position 1826, G replaced by C.
Protein change: p.Ser609Thr; replaces serine 609 with threonine.
Molecular consequence: missense variant.
Genome position (GRCh38, 1-based): chr1:208,096,789, C>G on the plus strand (G>C on the coding strand, the complement: PLXNA2 is on the minus strand). VCF-style: chr1-208096789-C-G. GRCh37 (hg19) VCF-style: chr1-208270134-C-G.
Other names: short protein forms S609T.
Identifiers: ClinVar variation 3345744 (VCV003345744.1).